The following is an entry in ClinVar:

ClinVar aggregate classification (germline): Uncertain significance. Review status: criteria provided, single submitter (1 of 4 stars). 2 submissions from 2 submitters: Uncertain significance (1). 1 of the submissions does not count toward it. Last evaluated 2022-05-29.

Conditions:
Autosomal recessive nonsyndromic hearing loss 66 (DFNB66). Also called: Deafness, autosomal recessive 66. Identifiers: Orphanet 90636, MedGen C1857750, MONDO:0012442, OMIM 610212.
Isolated neonatal sclerosing cholangitis (NSC). Also called: Sclerosing cholangitis, neonatal. Identifiers: Orphanet 480556, MedGen C4479344, MONDO:0018816, OMIM 617394.
DCDC2-related disorder. Also called: DCDC2-related condition.

Allele frequency attached by ClinVar (database versions not stated): ExAC 0.00007.
gnomAD v4.1: 63 of 1,613,204 alleles (0.0039%); highest among the groups gnomAD compares: South Asian, 0.063%; no homozygotes.

Submissions (2):

Labcorp Genetics (formerly Invitae), Labcorp
Classification: Uncertain significance for Autosomal recessive nonsyndromic hearing loss 66; Isolated neonatal sclerosing cholangitis. Last evaluated: 2022-05-29. Review status: criteria provided, single submitter. Criteria: Invitae Variant Classification Sherloc (09022015). Collection method: clinical testing. Allele origin: germline.
Comment: This sequence change replaces arginine, which is basic and polar, with serine, which is neutral and polar, at codon 232 of the DCDC2 protein (p.Arg232Ser). This variant is present in population databases (rs758802517, gnomAD 0.05%). This variant has not been reported in the literature in individuals affected with DCDC2-related conditions. Algorithms developed to predict the effect of missense changes on protein structure and function are either unavailable or do not agree on the potential impact of this missense change (SIFT: "Deleterious"; PolyPhen-2: "Possibly Damaging"; Align-GVGD: "Class C0"). In summary, the available evidence is currently insufficient to determine the role of this variant in disease. Therefore, it has been classified as a Variant of Uncertain Significance.

PreventionGenetics, part of Exact Sciences
Classification: Uncertain significance for DCDC2-related condition. Last evaluated: 2024-08-20. Review status: no assertion criteria provided. Collection method: clinical testing. Allele origin: germline. Not counted in ClinVar's aggregate classification.
Comment: The DCDC2 c.696G>T variant is predicted to result in the amino acid substitution p.Arg232Ser. To our knowledge, this variant has not been reported in the literature. This variant is reported in 0.049% of alleles in individuals of South Asian descent in gnomAD. Although we suspect that this variant may be benign, at this time, the clinical significance of this variant is uncertain due to the absence of conclusive functional and genetic evidence.

NM_016356.5(DCDC2):c.696G>T (p.Arg232Ser)

Gene: DCDC2 (doublecortin domain containing 2; minus strand). Cytogenetic location: 6p22.3.
Variant type: single nucleotide variant.
Coding change: c.696G>T on transcript NM_016356.5 (MANE Select); coding-DNA position 696, G replaced by T.
Protein change: p.Arg232Ser; replaces arginine 232 with serine.
Molecular consequence: missense variant.
Genome position (GRCh38, 1-based): chr6:24,290,940, C>A on the plus strand (G>T on the coding strand, the complement: DCDC2 is on the minus strand). VCF-style: chr6-24290940-C-A. GRCh37 (hg19) VCF-style: chr6-24291168-C-A.
Other names: c.696G>T, p.Arg232Ser (NM_001195610.2); c.696G>T (NM_016356.4); short protein forms R232S.
Identifiers: ClinVar variation 2035476 (VCV002035476.2), dbSNP rs758802517, ClinGen allele CA3654694.